The following is an entry in ClinVar:

NM_006565.4(CTCF):c.979T>C (p.Cys327Arg)

Gene: CTCF (CCCTC-binding factor; plus strand). Cytogenetic location: 16q22.1.
Variant type: single nucleotide variant.
Coding change: c.979T>C on transcript NM_006565.4 (MANE Select); coding-DNA position 979, T replaced by C.
Protein change: p.Cys327Arg; replaces cysteine 327 with arginine.
Molecular consequence: missense variant. On other transcripts: 5 prime UTR variant (1).
Genome position (GRCh38, 1-based): chr16:67,616,771, T>C. VCF-style: chr16-67616771-T-C. GRCh37 (hg19) VCF-style: chr16-67650674-T-C.
Other names: c.979T>C, p.Cys327Arg (NM_001363916.2); c.-6T>C (NM_001191022.2); short protein forms C327R.
Identifiers: ClinVar variation 973091 (VCV000973091.4), dbSNP rs2052136913, ClinGen allele CA396311918.

ClinVar aggregate classification (germline): Pathogenic (1 of 4 stars; one submission).

Conditions:
CTCF-related disorder. Also called: CTCF-related condition. Identifiers: MedGen CN381101.

Submission:

GeneDx
Classification: Pathogenic. Last evaluated: 2024-05-07. Review status: criteria provided, single submitter. Criteria: GeneDx Variant Classification Process June 2021. Collection method: clinical testing. Allele origin: germline. Affected: yes.
Comment: Not observed at significant frequency in large population cohorts (gnomAD); In silico analysis supports that this missense variant has a deleterious effect on protein structure/function; Has not been previously published as pathogenic or benign to our knowledge